The following is an entry in ClinVar:

ClinVar aggregate classification (germline): Likely pathogenic (1 of 4 stars; one submission).

Conditions:
Developmental and epileptic encephalopathy 96. Identifiers: MedGen C5543446, MONDO:0023659, OMIM 619340.

Submission:

Victorian Clinical Genetics Services, Murdoch Childrens Research Institute
Classification: Likely pathogenic for Developmental and epileptic encephalopathy 96. Last evaluated: 2025-10-03. Review status: criteria provided, single submitter. Criteria: ACMG Guidelines, 2015. Collection method: clinical testing. Allele origin: germline. Affected: yes.
Comment: This variant is classified as Likely pathogenic. Evidence in support of pathogenic classification: In-frame insertion/deletion in a non-repetitive region that has high conservation; Variant is absent from gnomAD (v2, v3 and v4). Additional information: This variant is heterozygous; This gene is associated with autosomal dominant disease. - This variant has no previous evidence of pathogenicity; No published segregation evidence has been identified for this variant; No published functional evidence has been identified for this variant; No comparable inframe insertion variants have previous evidence for pathogenicity; Variant is located in the annotated AAA _D2 domain (PMID: 31675180); The mechanism of disease for this gene is not clearly established. However, unpublished data suggests missense variants in this gene may result in loss of function due to decreased stability of SNARE proteins (personal communication).

Literature cited by the submitters: PubMed 31675180.

NM_006178.4(NSF):c.1590_1592dup (p.Ser531_Asp532insSer)

Genes: NSF (N-ethylmaleimide sensitive factor, vesicle fusing ATPase; plus strand), LRRC37A2 (leucine rich repeat containing 37 member A2). Cytogenetic location: 17q21.31.
Variant type: Duplication.
Coding change: c.1590_1592dup on transcript NM_006178.4 (MANE Select); coding-DNA positions 1590 to 1592, 3 bases duplicated (CAG; older notation c.1590_1592dupCAG).
Protein change: p.Ser531_Asp532insSer.
Molecular consequence: inframe insertion. On other transcripts: non-coding transcript variant (1).
Genome position (GRCh38, 1-based): chr17:46,711,082-46,711,084, CAG duplicated. VCF-style (leftmost placement, unchanged base first): chr17-46711081-A-ACAG. GRCh37 (hg19) VCF-style: chr17-44788447-A-ACAG.
Identifiers: ClinVar variation 1699024 (VCV001699024.5), dbSNP rs2146261671, ClinGen allele CA2573130302.
Genomic context (GRCh38, chr17:46,711,081, plus strand): 5'-GGGGTGACCCAGTTACTCGAGTTCTAGATGATGGGGAGCTGCTGGTGCAGCAGACTAAGA[A>ACAG]CAGTGACCGCACACCATTGGTCAGCGTGCTTCTGGAAGGTGAGAATGAATGAGGAGATGG-3'